The following is an entry in ClinVar:

ClinVar aggregate classification (germline): Conflicting classifications of pathogenicity. Review status: criteria provided, conflicting classifications (1 of 4 stars). 3 submissions from 3 submitters: Uncertain significance (1); Likely benign (1). 1 of the submissions does not count toward it. Last evaluated 2023-03-23.

Conditions:
Hereditary breast ovarian cancer syndrome. Also called: Hereditary breast and ovarian cancer; Hereditary breast and/or ovarian cancer syndrome; BRCA1- and BRCA2-Associated Hereditary Breast and Ovarian Cancer; Hereditary breast and ovarian cancer syndrome; Hereditary breast and ovarian cancer syndrome (HBOC); Breast and ovarian cancer. Identifiers: Orphanet 145, MedGen C0677776, MeSH D061325, MONDO:0003582. Disease mechanism: loss of function.
Hereditary cancer-predisposing syndrome. Also called: Tumor predisposition; Hereditary Cancer Syndrome; Hereditary neoplastic syndrome; Neoplastic Syndromes, Hereditary. Identifiers: Orphanet 140162, MedGen C0027672, MeSH D009386, MONDO:0015356.

Submissions (3):

University of Washington Department of Laboratory Medicine, University of Washington
Classification: Likely benign for Hereditary cancer-predisposing syndrome. Last evaluated: 2023-03-23. Review status: criteria provided, single submitter. Criteria: Dines et al. (Genet Med. 2020). Collection method: curation. Allele origin: germline.
Comment: Missense variant in a coldspot region where missense variants are very unlikely to be pathogenic (PMID:31911673).

BRCA2 exon 11 coldspot. Reclassification based on statistical prior probability.

Labcorp Genetics (formerly Invitae), Labcorp
Classification: Uncertain significance for Hereditary breast ovarian cancer syndrome. Last evaluated: 2018-09-06. Review status: criteria provided, single submitter. Criteria: Invitae Variant Classification Sherloc (09022015). Collection method: clinical testing. Allele origin: germline.
Comment: This variant is not present in population databases (ExAC no frequency) and has not been reported in the literature in individuals with a BRCA2-related disease. This sequence change replaces glutamine with histidine at codon 1595 of the BRCA2 protein (p.Gln1595His). The glutamine residue is weakly conserved and there is a small physicochemical difference between glutamine and histidine. Algorithms developed to predict the effect of missense changes on protein structure and function (SIFT, PolyPhen-2, Align-GVGD) all suggest that this variant is likely to be tolerated, but these predictions have not been confirmed by published functional studies. In summary, this variant is a novel missense change that is not predicted to affect protein function. There is no indication that it causes disease, but the available evidence is currently insufficient to prove that conclusively. Therefore, it has been classified as a Variant of Uncertain Significance.

Department of Pathology and Laboratory Medicine, Sinai Health System
Classification: Uncertain significance. Review status: no assertion criteria provided. Collection method: clinical testing. Allele origin: unknown. Affected: yes. Study: The Canadian Open Genetics Repository (COGR). Not counted in ClinVar's aggregate classification.
Comment: The BRCA2 p.Gln1595His variant was not identified in the literature nor was it identified in the LOVD 3.0 and UMD-LSDB databases. The variant was identified in dbSNP (ID: rs1060502499) â€šÃ„ÃºWith Uncertain significance alleleâ€šÃ„Ã¹ and ClinVar (classified as uncertain significance by Invitae). The variant was not identified in the following control databases: the Exome Aggregation Consortium (August 8th 2016), or the Genome Aggregation Database (Feb 27, 2017). The p.Gln1595 residue is not conserved in mammals and computational analyses (PolyPhen-2, SIFT, AlignGVGD, BLOSUM, MutationTaster) do not suggest a high likelihood the variant His impacts the protein; however, this information is not predictive enough to rule out pathogenicity. The variant occurs outside of the splicing consensus sequence and in silico or computational prediction software programs (SpliceSiteFinder, MaxEntScan, NNSPLICE, GeneSplicer) do not predict a difference in splicing. In summary, based on the above information the clinical significance of this variant cannot be determined with certainty at this time. This variant is classified as a variant of uncertain significance.

NM_000059.4(BRCA2):c.4785G>T (p.Gln1595His)

Gene: BRCA2 (BRCA2 DNA repair associated; plus strand). Cytogenetic location: 13q13.1.
Variant type: single nucleotide variant.
Coding change: c.4785G>T on transcript NM_000059.4 (MANE Select); coding-DNA position 4785, G replaced by T.
Protein change: p.Gln1595His; replaces glutamine 1595 with histidine.
Molecular consequence: missense variant.
Genome position (GRCh38, 1-based): chr13:32,339,140, G>T. VCF-style: chr13-32339140-G-T. GRCh37 (hg19) VCF-style: chr13-32913277-G-T.
Other names: short protein forms Q1595H.
Identifiers: ClinVar variation 409610 (VCV000409610.12), dbSNP rs1060502499, ClinGen allele CA16613977.